The following is an entry in ClinVar:

NM_013382.7(POMT2):c.2206del (p.Gln736fs)

Gene: POMT2 (protein O-mannosyltransferase 2; minus strand). Cytogenetic location: 14q24.3.
Variant type: Deletion.
Coding change: c.2206del on transcript NM_013382.7 (MANE Select); coding-DNA position 2206, one base deleted (C; older notation c.2206delC).
Protein change: p.Gln736fs; shifts the reading frame from glutamine 736.
Molecular consequence: frameshift variant.
Genome position (GRCh38, 1-based): chr14:77,277,423, G deleted on the plus strand (C on the coding strand, the reverse complement: POMT2 is on the minus strand); the first of 5 consecutive G bases (chr14:77,277,423-77,277,427); deleting any one gives the same sequence. VCF-style (leftmost placement, unchanged base first): chr14-77277422-TG-T. GRCh37 (hg19) VCF-style: chr14-77743765-TG-T.
Other names: c.2206delC (NM_013382.5); short protein forms Q736fs.
Identifiers: ClinVar variation 451622 (VCV000451622.3), dbSNP rs774412117, ClinGen allele CA7285519.
Genomic context (GRCh38, chr14:77,277,422, plus strand): 5'-TCTTTGCAGTGGCCTCAAAAGTCCCATGAGTCCAGCCACCTTAGTCCTGCCATTGGACTT[TG>T]GGGGTCCTGGGCCAGGGGACCAACCATCCCGTAAGCCAGAGGGTGGAAGAGGTAGAAGCT-3'

ClinVar aggregate classification (germline): Likely pathogenic. Review status: criteria provided, multiple submitters, no conflicts (2 of 4 stars). 2 submissions from 2 submitters: Likely pathogenic (2). Last evaluated 2024-06-12.

Conditions:
Muscular dystrophy-dystroglycanopathy (congenital with brain and eye anomalies), type A2. Also called: MUSCULAR DYSTROPHY-DYSTROGLYCANOPATHY (CONGENITAL WITH BRAIN AND EYE ANOMALIES), TYPE A, 2; WALKER-WARBURG SYNDROME OR MUSCLE-EYE-BRAIN DISEASE, POMT2-RELATED. Identifiers: Orphanet 588, Orphanet 899, MedGen C3150411, MONDO:0013154, OMIM 613150.
Muscular dystrophy-dystroglycanopathy (congenital with impaired intellectual development), type B, 2. Also called: Muscular dystrophy-dystroglycanopathy (congenital with intellectual disability), type B2; MUSCULAR DYSTROPHY, CONGENITAL, POMT2-RELATED. Identifiers: MedGen C3150416, MONDO:0013160, OMIM 613156.
Autosomal recessive limb-girdle muscular dystrophy type 2N. Also called: MUSCULAR DYSTROPHY-DYSTROGLYCANOPATHY, LIMB-GIRDLE, POMT2-RELATED; Muscular dystrophy-dystroglycanopathy (limb-girdle), type C, 2. Identifiers: Orphanet 206559, MedGen C3150418, MONDO:0013162, OMIM 613158.

Submissions (2):

Fulgent Genetics
Classification: Likely pathogenic for Muscular dystrophy-dystroglycanopathy (congenital with brain and eye anomalies), type A2; Muscular dystrophy-dystroglycanopathy (congenital with impaired intellectual development), type B, 2; Autosomal recessive limb-girdle muscular dystrophy type 2N. Last evaluated: 2024-06-12. Review status: criteria provided, single submitter. Criteria: ACMG Guidelines, 2015. Collection method: clinical testing. Allele origin: germline.

GeneDx
Classification: Likely pathogenic. Last evaluated: 2017-08-21. Review status: criteria provided, single submitter. Criteria: GeneDx Variant Classification (06012015). Collection method: clinical testing. Allele origin: germline. Affected: yes.
Comment: The c.2206delC variant in the POMT2 gene has not been reported previously as a pathogenic variant nor as a benign variant, to our knowledge. This variant causes a frameshift starting with codon Glutamine 736, changes this amino acid to a Lysine residue, and creates a premature Stop codon at position 7 of the new reading frame, denoted p.Gln736LysfsX7. This variant is predicted to cause loss of normal protein function through protein truncation, as the last 15 amino acids of the protein are replaced with 6 incorrect amino acids. The c.2206delC variant is not observed in large population cohorts (Lek et al., 2016; 1000 Genomes Consortium et al., 2015; Exome Variant Server). We interpret c.2206delC as a likely pathogenic variant.